The following is an entry in ClinVar:

ClinVar aggregate classification (germline): Uncertain significance (1 of 4 stars; one submission).

Conditions:
Capillary malformation-arteriovenous malformation syndrome. Also called: Capillary malformation-arteriovenous malformation. Identifiers: Orphanet 137667, MedGen C1842180, MONDO:0012016.

gnomAD v4.1: 2 of 1,613,890 alleles (0.00012%); highest among the groups gnomAD compares: Non-Finnish European, 0.00017%; no homozygotes.

Submission:

Labcorp Genetics (formerly Invitae), Labcorp
Classification: Uncertain significance for Capillary malformation-arteriovenous malformation syndrome. Last evaluated: 2023-12-01. Review status: criteria provided, single submitter. Criteria: Invitae Variant Classification Sherloc (09022015). Collection method: clinical testing. Allele origin: germline.
Comment: This sequence change replaces glycine, which is neutral and non-polar, with valine, which is neutral and non-polar, at codon 104 of the RASA1 protein (p.Gly104Val). This variant is not present in population databases (gnomAD no frequency). This variant has not been reported in the literature in individuals affected with RASA1-related conditions. An algorithm developed to predict the effect of missense changes on protein structure and function (PolyPhen-2) suggests that this variant is likely to be disruptive. In summary, the available evidence is currently insufficient to determine the role of this variant in disease. Therefore, it has been classified as a Variant of Uncertain Significance.

NM_002890.3(RASA1):c.311G>T (p.Gly104Val)

Gene: RASA1 (RAS p21 protein activator 1; plus strand). Cytogenetic location: 5q14.3.
Variant type: single nucleotide variant.
Coding change: c.311G>T on transcript NM_002890.3 (MANE Select); coding-DNA position 311, G replaced by T.
Protein change: p.Gly104Val; replaces glycine 104 with valine.
Molecular consequence: missense variant.
Genome position (GRCh38, 1-based): chr5:87,268,762, G>T. VCF-style: chr5-87268762-G-T. GRCh37 (hg19) VCF-style: chr5-86564579-G-T.
Other names: short protein forms G104V.
Identifiers: ClinVar variation 2979295 (VCV002979295.3), dbSNP rs750492052, ClinGen allele CA360417151.